The following is an entry in ClinVar:

NM_001009944.3(PKD1):c.11343C>A (p.Tyr3781Ter)

Genes: PKD1 (polycystin 1, transient receptor potential channel interacting; minus strand), PKD1-AS1 (PKD1 antisense RNA 1; plus strand). Cytogenetic location: 16p13.3.
Variant type: single nucleotide variant.
Coding change: c.11343C>A on transcript NM_001009944.3 (MANE Select); coding-DNA position 11343, C replaced by A.
Protein change: p.Tyr3781Ter; replaces tyrosine 3781 with a stop codon.
Molecular consequence: nonsense.
Genome position (GRCh38, 1-based): chr16:2,092,115, G>T on the plus strand (C>A on the coding strand, the complement: PKD1 is on the minus strand). VCF-style: chr16-2092115-G-T. GRCh37 (hg19) VCF-style: chr16-2142116-G-T.
Other names: c.11340C>A, p.Tyr3780Ter (NM_000296.4); short protein forms Y3780*, Y3781*.
Identifiers: ClinVar variation 4820648 (VCV004820648.1).

ClinVar aggregate classification (germline): Pathogenic (1 of 4 stars; one submission).

Conditions:
Polycystic kidney disease, adult type (PKD1). Also called: POLYCYSTIC KIDNEY DISEASE, ADULT, TYPE I; POLYCYSTIC KIDNEY DISEASE 1 WITH OR WITHOUT POLYCYSTIC LIVER DISEASE; Polycystic Kidney Disease 1, Autosomal Dominant; Polycystic kidney disease 1; Polycystic kidney disease 1, severe; Polycystic Kidney, Autosomal Dominant. Identifiers: MedGen C3149841, MONDO:0008263, OMIM 173900.

Submission:

Department of Pediatrics, Jeonbuk National University Hospital
Classification: Pathogenic for Polycystic kidney disease, adult type. Review status: criteria provided, single submitter. Criteria: ACMG Guidelines, 2015. Collection method: clinical testing. Allele origin: germline. Inheritance: Autosomal dominant inheritance. Affected: yes. Observed: 1 variant allele, 1 compound heterozygote.
Comment: This truncating variant (nonsense) results in premature termination at codon 3781 of the PKD1 gene, predicted to result in loss of function through nonsense-mediated decay or production of a severely truncated protein lacking critical transmembrane domains and the C-terminal tail. Loss-of-function variants in PKD1 are a well-established mechanism of autosomal dominant polycystic kidney disease. The variant is absent from the gnomAD database (v2.1.1 and v3.1.2) and predicted to be disease-causing by multiple in silico algorithms. Classification: Pathogenic (PVS1, PS3, PM2, PP1, PP3).